The following is an entry in ClinVar:

ClinVar aggregate classification (germline): Uncertain significance (1 of 4 stars; one submission).

Allele frequency attached by ClinVar (database versions not stated): gnomAD 0.00001; gnomAD exomes 0.00001; TOPMed 0.00003; ExAC 0.00002; ESP Exome Variant Server 0.00008.
gnomAD v4.1: 13 of 1,613,350 alleles (0.00081%); highest among the groups gnomAD compares: Admixed American, 0.0017%; no homozygotes.

Submission:

GeneDx
Classification: Uncertain significance. Last evaluated: 2024-07-05. Review status: criteria provided, single submitter. Criteria: GeneDx Variant Classification Process June 2021. Collection method: clinical testing. Allele origin: germline.
Comment: Has not been previously published as pathogenic or benign to our knowledge; Not observed at significant frequency in large population cohorts (gnomAD); Missense variant in a gene in which most reported pathogenic variants are truncating/loss of function

NM_001267550.2(TTN):c.25595A>G (p.Asn8532Ser)

Gene: TTN (titin; minus strand). Cytogenetic location: 2q31.2.
Variant type: single nucleotide variant.
Coding change: c.25595A>G on transcript NM_001267550.2 (MANE Select); coding-DNA position 25595, A replaced by G.
Protein change: p.Asn8532Ser; replaces asparagine 8532 with serine.
Molecular consequence: missense variant. On other transcripts: intron variant (3).
Genome position (GRCh38, 1-based): chr2:178,717,139, T>C on the plus strand (A>G on the coding strand, the complement: TTN is on the minus strand). VCF-style: chr2-178717139-T-C. GRCh37 (hg19) VCF-style: chr2-179581866-T-C.
Other names: c.24644A>G, p.Asn8215Ser (NM_001256850.1); c.21863A>G, p.Asn7288Ser (NM_133378.4); c.13282+20943A>G (NM_003319.4); c.13858+20943A>G (NM_133437.4); c.13657+20943A>G (NM_133432.3); short protein forms N7288S, N8215S, N8532S.
Identifiers: ClinVar variation 1706421 (VCV001706421.3), dbSNP rs368106359, ClinGen allele CA2000192.
Genomic context (GRCh38, chr2:178,717,139, plus strand): 5'-TCACTCTAACAAGTACCTTGTACACCCAGCTGAGCAGAACAAGAGTCTTTTCCAGCGATG[T>C]TGCTTGCATAGCAGGTGTACTGCCCGGCATCGCCTTTGCCTACTTTGAGAACTGTCAGAG-3'
Protein context (NP_001254479.2, residues 8522-8542): DAGQYTCYAS[Asn8532Ser]IAGKDSCSAQ